The following is an entry in ClinVar:

ClinVar aggregate classification (germline): Benign/Likely benign. Review status: criteria provided, multiple submitters, no conflicts (2 of 4 stars). 3 submissions from 2 submitters: Benign (2); Likely benign (1). Last evaluated 2021-05-17.

Conditions:
Susceptibility to mononeuropathy of the median nerve, mild. Also called: CARPAL TUNNEL SYNDROME, SUSCEPTIBILITY TO. Identifiers: MedGen C3150596, MONDO:0013237, OMIM 613353.
Charcot-Marie-Tooth disease type 4C (CMT4C). Also called: CHARCOT-MARIE-TOOTH DISEASE, DEMYELINATING, TYPE 4C; SH3TC2-Related Hereditary Motor and Sensory Neuropathy; Charcot-Marie-Tooth Neuropathy Type 4C (CMT4C); CHARCOT-MARIE-TOOTH DISEASE, DEMYELINATING, AUTOSOMAL RECESSIVE, TYPE 4C; CMT 4C. Identifiers: Orphanet 99949, MedGen C1866636, MONDO:0011113, OMIM 601596.

Allele frequency attached by ClinVar (database versions not stated): 1000 Genomes Project 30x 0.01062; 1000 Genomes Project 0.01118; TOPMed 0.01481.
gnomAD v4.1: 2,511 of 152,242 alleles (1.6%); highest among the groups gnomAD compares: South Asian, 3.4%; 32 homozygotes.

Submissions (3):

GeneDx
Classification: Likely benign. Last evaluated: 2021-05-17. Review status: criteria provided, single submitter. Criteria: GeneDx Variant Classification Process June 2021. Collection method: clinical testing. Allele origin: germline. Affected: yes.

Illumina Laboratory Services, Illumina
Classification: Benign for Charcot-Marie-Tooth disease type 4C. Last evaluated: 2018-01-13. Review status: criteria provided, single submitter. Criteria: ICSL Variant Classification Criteria 13 December 2019. Collection method: clinical testing. Allele origin: germline.
Comment: This variant was observed in the ICSL laboratory as part of a predisposition screen in an ostensibly healthy population. It had not been previously curated by ICSL or reported in the Human Gene Mutation Database (HGMD: prior to June 1st, 2018), and was therefore a candidate for classification through an automated scoring system. Utilizing variant allele frequency, disease prevalence and penetrance estimates, and inheritance mode, an automated score was calculated to assess if this variant is too frequent to cause the disease. Based on the score and internal cut-off values, a variant classified as benign is not then subjected to further curation. The score for this variant resulted in a classification of benign for this disease.

Illumina Laboratory Services, Illumina
Classification: Benign for Susceptibility to mononeuropathy of the median nerve, mild. Last evaluated: 2018-01-13. Review status: criteria provided, single submitter. Criteria: ICSL Variant Classification Criteria 13 December 2019. Collection method: clinical testing. Allele origin: germline.
Comment: the same text as in the submission from Illumina Laboratory Services, Illumina above.

NM_024577.4(SH3TC2):c.*6392C>T

Gene: SH3TC2 (SH3 domain and tetratricopeptide repeats 2; minus strand). Cytogenetic location: 5q32.
Variant type: single nucleotide variant.
Coding change: c.*6392C>T on transcript NM_024577.4 (MANE Select); 6392 bases downstream of the stop codon, C replaced by T.
Molecular consequence: 3 prime UTR variant.
Genome position (GRCh38, 1-based): chr5:148,998,319, G>A on the plus strand (C>T on the coding strand, the complement: SH3TC2 is on the minus strand). VCF-style: chr5-148998319-G-A. GRCh37 (hg19) VCF-style: chr5-148377882-G-A.
Identifiers: ClinVar variation 906867 (VCV000906867.5), dbSNP rs114817736, ClinGen allele CA128990722.